The following is an entry in ClinVar:

NM_001378454.1(ALMS1):c.5143A>G (p.Arg1715Gly)

Gene: ALMS1 (ALMS1 centrosome and basal body associated protein; plus strand). Cytogenetic location: 2p13.1.
Variant type: single nucleotide variant.
Coding change: c.5143A>G on transcript NM_001378454.1 (MANE Select); coding-DNA position 5143, A replaced by G.
Protein change: p.Arg1715Gly; replaces arginine 1715 with glycine.
Molecular consequence: missense variant.
Genome position (GRCh38, 1-based): chr2:73,451,670, A>G. VCF-style: chr2-73451670-A-G. GRCh37 (hg19) VCF-style: chr2-73678797-A-G.
Other names: c.5146A>G, p.Arg1716Gly (NM_015120.4); short protein forms R1715G, R1716G.
Identifiers: ClinVar variation 1745633 (VCV001745633.2), dbSNP rs773513360, ClinGen allele CA1713829.

ClinVar aggregate classification (germline): Uncertain significance (1 of 4 stars; one submission).

Conditions:
Cardiovascular phenotype. Identifiers: MedGen CN230736.

Allele frequency attached by ClinVar (database versions not stated): TOPMed below 0.00001; ExAC 0.00001; gnomAD exomes 0.00001.
gnomAD v4.1: 5 of 1,613,902 alleles (0.00031%); highest among the groups gnomAD compares: Admixed American, 0.0033%; no homozygotes.

Submission:

Ambry Genetics
Classification: Uncertain significance for Cardiovascular phenotype. Last evaluated: 2021-05-21. Review status: criteria provided, single submitter. Criteria: Ambry Variant Classification Scheme 2023. Collection method: clinical testing. Allele origin: germline.
Comment: The p.R1716G variant (also known as c.5146A>G), located in coding exon 8 of the ALMS1 gene, results from an A to G substitution at nucleotide position 5146. The arginine at codon 1716 is replaced by glycine, an amino acid with dissimilar properties. This amino acid position is poorly conserved in available vertebrate species. In addition, this alteration is predicted to be tolerated by in silico analysis. Since supporting evidence is limited at this time, the clinical significance of this alteration remains unclear.